The following is an entry in ClinVar:

ClinVar aggregate classification (germline): Pathogenic/Likely pathogenic. Review status: criteria provided, multiple submitters, no conflicts (2 of 4 stars). 3 submissions from 3 submitters: Pathogenic (1); Likely pathogenic (1). 1 of the submissions does not count toward it. Last evaluated 2025-08-07.

Conditions:
Cystic fibrosis (CF). Also called: MUCOVISCIDOSIS. Identifiers: Orphanet 586, MedGen C0010674, MONDO:0009061, OMIM 219700. Disease mechanism: loss of function.
CFTR-related disorder (CFTR-RD). Also called: CFTR-related disorders; CFTR-related condition. Identifiers: MedGen C5924204, MONDO:7770004.

Submissions (3):

Natera, Inc.
Classification: Likely pathogenic for CFTR-related disorders. Last evaluated: 2025-08-07. Review status: criteria provided, single submitter. Criteria: Natera Variant Classification Schema (03/2026). Collection method: clinical testing. Allele origin: germline.
Comment: The c.4272C>A variant in CFTR is a nonsense variant predicted to introduce a stop codon at amino acid 1424. This variant is expected to result in nonsense mediated decay, truncation, or a dysfunctional protein product. This variant is rare in the general population with a frequency below the threshold expected for the associated phenotype(s). Given the available evidence, this variant is classified as Likely Pathogenic.

Labcorp Genetics (formerly Invitae), Labcorp
Classification: Pathogenic for Cystic fibrosis. Last evaluated: 2019-05-20. Review status: criteria provided, single submitter. Criteria: Invitae Variant Classification Sherloc (09022015). Collection method: clinical testing. Allele origin: germline.
Comment: This sequence change results in a premature translational stop signal in the CFTR gene (p.Tyr1424*). While this is not anticipated to result in nonsense mediated decay, it is expected to disrupt the last 57 amino acids of the CFTR protein. This variant is not present in population databases (ExAC no frequency). This variant has not been reported in the literature in individuals with CFTR-related conditions. ClinVar contains an entry for this variant (Variation ID: 555210). Algorithms developed to predict the effect of sequence changes on RNA splicing suggest that this variant may create or strengthen a splice site, but this prediction has not been confirmed by published transcriptional studies. This variant disrupts the C-terminus of the CFTR protein. Other variant(s) that disrupt this region (p.Ser1455*) have been determined to be pathogenic (PMID: 17662673, 23276700, 25304080, 24388274, 27728908). This suggests that variants that disrupt this region of the protein are likely to be causative of disease. For these reasons, this variant has been classified as Pathogenic.

Counsyl
Classification: Likely pathogenic for Cystic fibrosis. Last evaluated: 2017-11-30. Review status: no assertion criteria provided. Collection method: clinical testing. Allele origin: unknown. Not counted in ClinVar's aggregate classification.

Literature cited by the submitters: PubMed 17662673 (cited by Labcorp Genetics (formerly Invitae), Labcorp); PubMed 23276700 (cited by Labcorp Genetics (formerly Invitae), Labcorp); PubMed 25304080 (cited by Labcorp Genetics (formerly Invitae), Labcorp); PubMed 24388274 (cited by Labcorp Genetics (formerly Invitae), Labcorp); PubMed 27728908 (cited by Labcorp Genetics (formerly Invitae), Labcorp).

NM_000492.4(CFTR):c.4272C>A (p.Tyr1424Ter)

Genes: CFTR (CF transmembrane conductance regulator; plus strand), LOC111674477 (CFTR intron 23 enhancer; plus strand). Cytogenetic location: 7q31.2.
Variant type: single nucleotide variant.
Coding change: c.4272C>A on transcript NM_000492.4 (MANE Select); coding-DNA position 4272, C replaced by A.
Protein change: p.Tyr1424Ter; replaces tyrosine 1424 with a stop codon.
Molecular consequence: nonsense.
Genome position (GRCh38, 1-based): chr7:117,666,937, C>A. VCF-style: chr7-117666937-C-A. GRCh37 (hg19) VCF-style: chr7-117306991-C-A.
Other names: short protein forms Y1424*.
Identifiers: ClinVar variation 555210 (VCV000555210.13), dbSNP rs1800135, ClinGen allele CA368984510.